The following is an entry in ClinVar:

NM_170606.3(KMT2C):c.596G>A (p.Arg199Gln)

Gene: KMT2C (lysine methyltransferase 2C; minus strand). Cytogenetic location: 7q36.1.
Variant type: single nucleotide variant.
Coding change: c.596G>A on transcript NM_170606.3 (MANE Select); coding-DNA position 596, G replaced by A.
Protein change: p.Arg199Gln; replaces arginine 199 with glutamine.
Molecular consequence: missense variant.
Genome position (GRCh38, 1-based): chr7:152,311,941, C>T on the plus strand (G>A on the coding strand, the complement: KMT2C is on the minus strand). VCF-style: chr7-152311941-C-T. GRCh37 (hg19) VCF-style: chr7-152009026-C-T.
Other names: short protein forms R199Q.
Identifiers: ClinVar variation 2633116 (VCV002633116.2), dbSNP rs369725088, ClinGen allele CA169461895.

ClinVar aggregate classification (germline): Conflicting classifications of pathogenicity. Review status: criteria provided, conflicting classifications (1 of 4 stars). 2 submissions from 2 submitters: Uncertain significance (1); Likely benign (1). Last evaluated 2024-09-20.

Conditions:
Kleefstra syndrome 2 (KLEFS2). Identifiers: MedGen C4540395, MONDO:0054701, OMIM 617768.
KMT2C-related disorder. Also called: KMT2C-related condition; KMT2C-related disorders.

Submissions (2):

3billion
Classification: Likely benign for Kleefstra syndrome 2. Last evaluated: 2024-09-20. Review status: criteria provided, single submitter. Criteria: ACMG Guidelines, 2015. Collection method: clinical testing. Allele origin: germline. Affected: no.
Comment: The variant was identified in at least one patient who was diagnosed with a different variant in another gene and showed no symptoms related to the gene containing the variant in question.

PreventionGenetics, part of Exact Sciences
Classification: Uncertain significance for KMT2C-related condition. Last evaluated: 2023-05-17. Review status: criteria provided, single submitter. Criteria: ACMG Guidelines, 2015. Collection method: clinical testing. Allele origin: germline.
Comment: The KMT2C c.596G>A variant is predicted to result in the amino acid substitution p.Arg199Gln. To our knowledge, this variant has not been reported in the literature or in a large population database, indicating this variant is rare. At this time, the clinical significance of this variant is uncertain due to the absence of conclusive functional and genetic evidence.